The following is an entry in ClinVar:

ClinVar aggregate classification (germline): Uncertain significance. Review status: criteria provided, multiple submitters, no conflicts (2 of 4 stars). 5 submissions from 5 submitters: Uncertain significance (5). Last evaluated 2025-07-29.

Conditions:
Cardiovascular phenotype. Identifiers: MedGen CN230736.
Brugada syndrome 3 (BRGDA3). Identifiers: Orphanet 130, MedGen C2678478, MONDO:0012742, OMIM 611875.
Long QT syndrome 8. Identifiers: MedGen CN260585, MONDO:0032756, OMIM 618447.
Timothy syndrome (TS). Also called: LONG QT SYNDROME WITH SYNDACTYLY. Identifiers: Orphanet 65283, MedGen C1832916, MeSH C536962, MONDO:0010979, OMIM 601005.
Long QT syndrome (LQTS). Identifiers: MedGen C0023976, MeSH D008133, MONDO:0002442. Disease mechanism: loss of function. Inheritance: Various modes of inheritance.

Allele frequency attached by ClinVar (database versions not stated): ESP Exome Variant Server 0.00008; ExAC 0.00001; gnomAD 0.00001; gnomAD exomes 0.00001 and 0.00002; TOPMed 0.00001.
gnomAD v4.1: 33 of 1,612,170 alleles (0.002%); highest among the groups gnomAD compares: Middle Eastern, 0.016%; no homozygotes.

Submissions (5):

Ambry Genetics
Classification: Uncertain significance for Cardiovascular phenotype. Last evaluated: 2025-07-29. Review status: criteria provided, single submitter. Criteria: Ambry Variant Classification Scheme 2023. Collection method: clinical testing. Allele origin: germline.
Comment: The p.D690N variant (also known as c.2068G>A), located in coding exon 14 of the CACNA1C gene, results from a G to A substitution at nucleotide position 2068. The aspartic acid at codon 690 is replaced by asparagine, an amino acid with highly similar properties. This variant was detected in an idiopathic ventricular fibrillation cohort (Pannone L et al. JACC Clin Electrophysiol, 2023 Aug;9:1296-1306). This amino acid position is highly conserved in available vertebrate species. In addition, the in silico prediction for this alteration is inconclusive. Based on the available evidence, the clinical significance of this variant remains unclear.

GeneDx
Classification: Uncertain significance. Last evaluated: 2025-02-21. Review status: criteria provided, single submitter. Criteria: GeneDx Variant Classification Process June 2021. Collection method: clinical testing. Allele origin: germline. Affected: yes.
Comment: Identified in a patient with idiopathic ventricular fibrillation (IVF) in published literature (PMID: 37227348); Not observed at significant frequency in large population cohorts (gnomAD); In silico analysis supports that this missense variant has a deleterious effect on protein structure/function; This variant is associated with the following publications: (PMID: 37227348)

Labcorp Genetics (formerly Invitae), Labcorp
Classification: Uncertain significance for Long QT syndrome. Last evaluated: 2024-10-16. Review status: criteria provided, single submitter. Criteria: Invitae Variant Classification Sherloc (09022015). Collection method: clinical testing. Allele origin: germline.
Comment: This sequence change replaces aspartic acid, which is acidic and polar, with asparagine, which is neutral and polar, at codon 690 of the CACNA1C protein (p.Asp690Asn). This variant is present in population databases (rs369638898, gnomAD 0.007%). This missense change has been observed in individual(s) with idiopathic ventricular fibrillation (PMID: 37227348). ClinVar contains an entry for this variant (Variation ID: 194342). Invitae Evidence Modeling of protein sequence and biophysical properties (such as structural, functional, and spatial information, amino acid conservation, physicochemical variation, residue mobility, and thermodynamic stability) indicates that this missense variant is expected to disrupt CACNA1C protein function with a positive predictive value of 80%. In summary, the available evidence is currently insufficient to determine the role of this variant in disease. Therefore, it has been classified as a Variant of Uncertain Significance.

Fulgent Genetics
Classification: Uncertain significance for Timothy syndrome; Brugada syndrome 3; Long QT syndrome 8. Last evaluated: 2021-08-13. Review status: criteria provided, single submitter. Criteria: ACMG Guidelines, 2015. Collection method: clinical testing. Allele origin: unknown.

Eurofins Ntd Llc (ga)
Classification: Uncertain significance. Last evaluated: 2014-11-18. Review status: criteria provided, single submitter. Criteria: EGL Classification Definitions 2015. Collection method: clinical testing. Allele origin: germline. Observed: 1 variant allele, 1 heterozygote.

Literature cited by the submitters: PubMed 37227348 (cited by Ambry Genetics and Labcorp Genetics (formerly Invitae), Labcorp).

NM_000719.7(CACNA1C):c.2068G>A (p.Asp690Asn)

Gene: CACNA1C (calcium voltage-gated channel subunit alpha1 C; plus strand). Cytogenetic location: 12p13.33.
Variant type: single nucleotide variant.
Coding change: c.2068G>A on transcript NM_000719.7 (MANE Select); coding-DNA position 2068, G replaced by A.
Protein change: p.Asp690Asn; replaces aspartic acid 690 with asparagine.
Molecular consequence: missense variant.
Genome position (GRCh38, 1-based): chr12:2,581,762, G>A. VCF-style: chr12-2581762-G-A. GRCh37 (hg19) VCF-style: chr12-2690928-G-A.
Other names: c.2068G>A, p.Asp690Asn (NM_001129827.2, NM_001129829.2, NM_001129830.3 and 18 more transcripts); c.2059G>A, p.Asp687Asn (NM_001129844.2); short protein forms D690N, D687N.
Identifiers: ClinVar variation 194342 (VCV000194342.16), dbSNP rs369638898, ClinGen allele CA240254.